The following is an entry in ClinVar:

NM_139343.3(BIN1):c.229G>A (p.Glu77Lys)

Gene: BIN1 (bridging integrator 1; minus strand). Cytogenetic location: 2q14.3.
Variant type: single nucleotide variant.
Coding change: c.229G>A on transcript NM_139343.3 (MANE Select); coding-DNA position 229, G replaced by A.
Protein change: p.Glu77Lys; replaces glutamic acid 77 with lysine.
Molecular consequence: missense variant.
Genome position (GRCh38, 1-based): chr2:127,070,639, C>T on the plus strand (G>A on the coding strand, the complement: BIN1 is on the minus strand). VCF-style: chr2-127070639-C-T. GRCh37 (hg19) VCF-style: chr2-127828215-C-T.
Other names: c.229G>A, p.Glu77Lys (NM_001320632.2, NM_001320633.2, NM_001320640.2 and 10 more transcripts); c.157G>A, p.Glu53Lys (NM_001320634.1); c.148G>A, p.Glu50Lys (NM_001320642.1); short protein forms E50K, E53K, E77K.
Identifiers: ClinVar variation 970048 (VCV000970048.9), dbSNP rs1685759135, ClinGen allele CA348369606.

ClinVar aggregate classification (germline): Uncertain significance (1 of 4 stars; one submission).

Conditions:
Myopathy, centronuclear, 2 (CNM2). Also called: MYOTUBULAR MYOPATHY, AUTOSOMAL RECESSIVE. Identifiers: Orphanet 169186, MedGen CN031787, MONDO:0009709, OMIM 255200.

Submission:

Labcorp Genetics (formerly Invitae), Labcorp
Classification: Uncertain significance for Myopathy, centronuclear, 2. Last evaluated: 2019-10-25. Review status: criteria provided, single submitter. Criteria: Invitae Variant Classification Sherloc (09022015). Collection method: clinical testing. Allele origin: germline.
Comment: This sequence change replaces glutamic acid with lysine at codon 77 of the BIN1 protein (p.Glu77Lys). The glutamic acid residue is highly conserved and there is a small physicochemical difference between glutamic acid and lysine. In summary, the available evidence is currently insufficient to determine the role of this variant in disease. Therefore, it has been classified as a Variant of Uncertain Significance. Algorithms developed to predict the effect of missense changes on protein structure and function are either unavailable or do not agree on the potential impact of this missense change (SIFT: "Tolerated"; PolyPhen-2: "Probably Damaging"; Align-GVGD: "Class C0"). This variant has not been reported in the literature in individuals with BIN1-related conditions. This variant is not present in population databases (ExAC no frequency).